The following is an entry in ClinVar:

NM_001199107.2(TBC1D24):c.646C>T (p.Leu216=)

Gene: TBC1D24 (TBC1 domain family member 24; plus strand). Cytogenetic location: 16p13.3.
Variant type: single nucleotide variant.
Coding change: c.646C>T on transcript NM_001199107.2 (MANE Select); coding-DNA position 646, C replaced by T.
Protein change: p.Leu216=; no amino-acid change (leucine 216 retained).
Molecular consequence: synonymous variant.
Genome position (GRCh38, 1-based): chr16:2,496,794, C>T. VCF-style: chr16-2496794-C-T. GRCh37 (hg19) VCF-style: chr16-2546795-C-T.
Other names: c.646C>T, p.Leu216= (NM_020705.3).
Identifiers: ClinVar variation 4685288 (VCV004685288.1).

ClinVar aggregate classification (germline): Uncertain significance (1 of 4 stars; one submission).

Submission:

GeneDx
Classification: Uncertain significance. Last evaluated: 2025-07-11. Review status: criteria provided, single submitter. Criteria: GeneDx Variant Classification Process June 2021. Collection method: clinical testing. Allele origin: germline. Affected: yes.
Comment: Not observed at significant frequency in large population cohorts (gnomAD); In silico analysis suggests that this variant does not alter splicing; Has not been previously published as pathogenic or benign to our knowledge